The following is an entry in ClinVar:

ClinVar aggregate classification (germline): Likely benign. Review status: criteria provided, multiple submitters, no conflicts (2 of 4 stars). 2 submissions from 2 submitters: Likely benign (2). Last evaluated 2024-12-20.

Conditions:
Hypertrophic cardiomyopathy 14. Identifiers: MedGen C2750467, MONDO:0013197, OMIM 613251.

Submissions (2):

Women's Health and Genetics/Laboratory Corporation of America, LabCorp
Classification: Likely benign. Last evaluated: 2024-12-20. Review status: criteria provided, single submitter. Criteria: LabCorp Variant Classification Summary - May 2015. Collection method: clinical testing. Allele origin: germline.
Comment: Variant summary: MYH6 c.2929-30_2929-19del12 alters a nucleotide located at a position not widely known to affect splicing. Consensus agreement among computation tools predict no significant impact on normal splicing. However, these predictions have yet to be confirmed by functional studies. The variant allele was found at a frequency of 4e-06 in 251394 control chromosomes. The available data on variant occurrences in the general population are insufficient to allow any conclusion about variant significance. To our knowledge, no occurrence of c.2929-30_2929-19del12 in individuals affected with Cardiomyopathy and no experimental evidence demonstrating its impact on protein function have been reported. ClinVar contains an entry for this variant (Variation ID: 2987129). Based on the evidence outlined above, the variant was classified as likely benign.

Labcorp Genetics (formerly Invitae), Labcorp
Classification: Likely benign for Hypertrophic cardiomyopathy 14. Last evaluated: 2023-05-24. Review status: criteria provided, single submitter. Criteria: Invitae Variant Classification Sherloc (09022015). Collection method: clinical testing. Allele origin: germline.

NM_002471.4(MYH6):c.2929-30_2929-19del

Gene: MYH6 (myosin heavy chain 6; minus strand). Cytogenetic location: 14q11.2.
Variant type: Deletion.
Coding change: c.2929-30_2929-19del on transcript NM_002471.4 (MANE Select); 30 bases into the intron before coding-DNA position 2929 through 19 bases into the intron before coding-DNA position 2929, 12 bases deleted (CCCTAAAGGGGA).
Molecular consequence: intron variant.
Genome position (GRCh38, 1-based): chr14:23,393,537-23,393,548, TCCCCTTTAGGG deleted on the plus strand (CCCTAAAGGGGA on the coding strand, the reverse complement: MYH6 is on the minus strand); deleting any 12 consecutive bases within chr14:23,393,537-23,393,550 gives the same sequence; the c. name uses the placement nearest the transcript's 3' end. VCF-style (leftmost placement, unchanged base first): chr14-23393536-ATCCCCTTTAGGG-A. GRCh37 (hg19) VCF-style: chr14-23862745-ATCCCCTTTAGGG-A.
Other names: c.2929-30_2929-19del12 (NM_002471.4).
Identifiers: ClinVar variation 2987129 (VCV002987129.4), dbSNP rs1201058903, ClinGen allele CA613317525.
Genomic context (GRCh38, chr14:23,393,536, plus strand): 5'-TGATTTCATCCAGCCCAGCCATCTCCTCTGTTAGGTTCTTCACCTGCCGACCAAAAACCC[ATCCCCTTTAGGG>A]TCAAAGATCACCAGCCTGGAGACATCTATGGGGACCTCCATGCCAAGGACCAGGACAACA-3'